The following is an entry in ClinVar:

NM_001387430.1(SH2B1):c.887G>A (p.Ser296Asn)

Gene: SH2B1 (SH2B adaptor protein 1; plus strand). Cytogenetic location: 16p11.2.
Variant type: single nucleotide variant.
Coding change: c.887G>A on transcript NM_001387430.1 (MANE Select); coding-DNA position 887, G replaced by A.
Protein change: p.Ser296Asn; replaces serine 296 with asparagine.
Molecular consequence: missense variant. On other transcripts: intron variant (1).
Genome position (GRCh38, 1-based): chr16:28,866,981, G>A. VCF-style: chr16-28866981-G-A. GRCh37 (hg19) VCF-style: chr16-28878302-G-A.
Other names: c.887G>A, p.Ser296Asn (NM_001145795.2, NM_001145796.2, NM_001145797.2 and 4 more transcripts); c.-26-393G>A (NM_001308294.2); short protein forms S296N.
Identifiers: ClinVar variation 3352695 (VCV003352695.1).
Genomic context (GRCh38, chr16:28,866,981, plus strand): 5'-GGCCTCCTTCAGGGGGAGGAGGGCAGCCTCAGTGGCAGAAGTGTCGCCTGCTGCTTCGAA[G>A]TGAAGGAGAAGGAGGAGGAGGAAGTCGCCTGGAGTTCTTTGTACCACCCAAGGTGAGGCC-3'
Protein context (NP_001374359.1, residues 286-306): QWQKCRLLLR[Ser296Asn]EGEGGGGSRL

ClinVar aggregate classification (germline): Uncertain significance (0 of 4 stars; one submission).

Conditions:
SH2B1-related disorder. Also called: SH2B1-related condition.

gnomAD v4.1: 6 of 1,604,752 alleles (0.00037%); highest among the groups gnomAD compares: Non-Finnish European, 0.00051%; no homozygotes.

Submission:

PreventionGenetics, part of Exact Sciences
Classification: Uncertain significance for SH2B1-related condition. Last evaluated: 2024-08-17. Review status: no assertion criteria provided. Collection method: clinical testing. Allele origin: germline.
Comment: The SH2B1 c.887G>A variant is predicted to result in the amino acid substitution p.Ser296Asn. To our knowledge, this variant has not been reported in the literature or in a large population database, indicating this variant is rare. At this time, the clinical significance of this variant is uncertain due to the absence of conclusive functional and genetic evidence.